The following is an entry in ClinVar:

ClinVar aggregate classification (germline): Benign. Review status: criteria provided, multiple submitters, no conflicts (2 of 4 stars). 2 submissions from 2 submitters: Benign (2). Last evaluated 2018-06-14.

Allele frequency attached by ClinVar (database versions not stated): gnomAD exomes 0.18226; 1000 Genomes Project 0.20088; TOPMed 0.20205; gnomAD 0.20507 and 0.20633; 1000 Genomes Project 30x 0.20737.
gnomAD v4.1: 254,394 of 1,377,880 alleles (18%); highest among the groups gnomAD compares: Admixed American, 26%; 24,959 homozygotes.

Submissions (2):

GeneDx
Classification: Benign. Last evaluated: 2018-06-14. Review status: criteria provided, single submitter. Criteria: GeneDx Variant Classification (06012015). Collection method: clinical testing. Allele origin: germline. Affected: yes.
Comment: This variant is considered likely benign or benign based on one or more of the following criteria: it is a conservative change, it occurs at a poorly conserved position in the protein, it is predicted to be benign by multiple in silico algorithms, and/or has population frequency not consistent with disease.

Breakthrough Genomics
Classification: Benign. Review status: criteria provided, single submitter. Criteria: ACMG Guidelines, 2015. Collection method: not provided. Allele origin: germline. Inheritance: Autosomal dominant inheritance. Affected: yes.

NM_001145809.2(MYH14):c.1115-71G>A

Gene: MYH14 (myosin heavy chain 14; plus strand). Cytogenetic location: 19q13.33.
Variant type: single nucleotide variant.
Coding change: c.1115-71G>A on transcript NM_001145809.2 (MANE Select); 71 bases into the intron before coding-DNA position 1115, G replaced by A.
Molecular consequence: intron variant.
Genome position (GRCh38, 1-based): chr19:50,244,171, G>A. VCF-style: chr19-50244171-G-A. GRCh37 (hg19) VCF-style: chr19-50747428-G-A.
Other names: c.1115-71G>A (NM_001077186.2); c.1091-71G>A (NM_024729.4).
Identifiers: ClinVar variation 684082 (VCV000684082.2), dbSNP rs600730, ClinGen allele CA14728746.